The following is an entry in ClinVar:

ClinVar aggregate classification (germline): Uncertain significance (1 of 4 stars; one submission).

Submission:

GeneDx
Classification: Uncertain significance. Last evaluated: 2025-05-16. Review status: criteria provided, single submitter. Criteria: GeneDx Variant Classification Process June 2021. Collection method: clinical testing. Allele origin: germline.
Comment: Not observed at significant frequency in large population cohorts (gnomAD); In silico analysis supports that this missense variant has a deleterious effect on protein structure/function; Has not been previously published as pathogenic or benign to our knowledge

NM_004369.4(COL6A3):c.6794G>C (p.Arg2265Thr)

Gene: COL6A3 (collagen type VI alpha 3 chain; minus strand). Cytogenetic location: 2q37.3.
Variant type: single nucleotide variant.
Coding change: c.6794G>C on transcript NM_004369.4 (MANE Select); coding-DNA position 6794, G replaced by C.
Protein change: p.Arg2265Thr; replaces arginine 2265 with threonine.
Molecular consequence: missense variant.
Genome position (GRCh38, 1-based): chr2:237,351,152, C>G on the plus strand (G>C on the coding strand, the complement: COL6A3 is on the minus strand). VCF-style: chr2-237351152-C-G. GRCh37 (hg19) VCF-style: chr2-238259795-C-G.
Other names: c.4973G>C, p.Arg1658Thr (NM_057166.5); c.6176G>C, p.Arg2059Thr (NM_057167.4); short protein forms R1658T, R2059T, R2265T.
Identifiers: ClinVar variation 1810632 (VCV001810632.2), dbSNP rs2469834944, ClinGen allele CA351210703.